The following is an entry in ClinVar:

NM_004447.6(EPS8):c.1542G>A (p.Lys514=)

Gene: EPS8 (EGFR pathway substrate 8, signaling adaptor; minus strand). Cytogenetic location: 12p12.3.
Variant type: single nucleotide variant.
Coding change: c.1542G>A on transcript NM_004447.6 (MANE Select); coding-DNA position 1542, G replaced by A.
Protein change: p.Lys514=; no amino-acid change (lysine 514 retained).
Molecular consequence: synonymous variant.
Genome position (GRCh38, 1-based): chr12:15,647,153, C>T on the plus strand (G>A on the coding strand, the complement: EPS8 is on the minus strand). VCF-style: chr12-15647153-C-T. GRCh37 (hg19) VCF-style: chr12-15800087-C-T.
Identifiers: ClinVar variation 666689 (VCV000666689.4), dbSNP rs570566810, ClinGen allele CA6467539.

ClinVar aggregate classification (germline): Likely benign (1 of 4 stars; one submission).

Allele frequency attached by ClinVar (database versions not stated): TOPMed below 0.00001; gnomAD 0.00001 and 0.00008; gnomAD exomes 0.00007 and 0.00016; ExAC 0.00026; 1000 Genomes Project 30x 0.00109; 1000 Genomes Project 0.00140.
gnomAD v4.1: 114 of 1,613,858 alleles (0.0071%); highest among the groups gnomAD compares: South Asian, 0.12%; 3 homozygotes.

Submission:

Laboratory for Molecular Medicine, Mass General Brigham Personalized Medicine
Classification: Likely benign. Last evaluated: 2017-08-23. Review status: criteria provided, single submitter. Criteria: LMM Criteria. Collection method: clinical testing. Allele origin: germline. Observed: 1 variant allele.
Comment: p.Lys514Lys in exon 15 of EPS8: This variant is not expected to have clinical si gnificance because it does not alter an amino acid residue and is not located wi thin the splice consensus sequence. It has been identified in 0.19% (31/16248) o f South Asian chromosomes by the Exome Aggregation Consortium (ExAC .; dbSNP rs570566810).